The following is an entry in ClinVar:

ClinVar aggregate classification (germline): Likely pathogenic (1 of 4 stars; one submission).

Conditions:
Maturity-onset diabetes of the young type 1. Also called: MODY, type I; MODY type 1; Diabetes mellitus MODY type 1; MODY HNF4A related; HNF4A-Related Maturity-Onset Diabetes of the Young Type 1; MILD JUVENILE DIABETES MELLITUS. Identifiers: Orphanet 552, MedGen C1852093, MONDO:0007452, OMIM 125850. Disease mechanism: loss of function.

Submission:

Molecular Genetics Department, Kulakov National Medical Research Center for Obstetrics, Gynecology and Perinatology
Classification: Likely pathogenic for Maturity-onset diabetes of the young type 1. Review status: criteria provided, single submitter. Criteria: ACMG Guidelines, 2015. Collection method: clinical testing. Allele origin: germline. Affected: yes.
Comment: A previously undescribed nucleotide variant creates an alteration of the canonical splice site c.49+1G>T in the HNF4A gene. Loss-of-function variants are reported in patients with MODY, type I, 125850. The variant is not present in population database (gnomAD no frequency). In summary, the currently available evidence indicates that the variant is pathogenic, but additional data are needed to prove that conclusively. Therefore, this variant has been classified as likely pathogenic.

NM_175914.5(HNF4A):c.49+1G>T

Gene: HNF4A (hepatocyte nuclear factor 4 alpha; plus strand). Cytogenetic location: 20q13.12.
Variant type: single nucleotide variant.
Coding change: c.49+1G>T on transcript NM_175914.5 (MANE Select); the canonical splice donor site of the intron after coding-DNA position 49, G replaced by T.
Molecular consequence: splice donor variant.
Genome position (GRCh38, 1-based): chr20:44,355,854, G>T. VCF-style: chr20-44355854-G-T. GRCh37 (hg19) VCF-style: chr20-42984494-G-T.
Other names: c.-183+1G>T (NM_001287182.2, NM_001287183.2, NM_001287184.2); c.49+1G>T (NM_001030003.3, NM_001030004.3).
Identifiers: ClinVar variation 3062280 (VCV003062280.1), dbSNP rs2515422927, ClinGen allele CA409109941.